The following is an entry in ClinVar:

ClinVar aggregate classification (germline): Uncertain significance. Review status: criteria provided, multiple submitters, no conflicts (2 of 4 stars). 2 submissions from 2 submitters: Uncertain significance (2). Last evaluated 2022-06-10.

Allele frequency attached by ClinVar (database versions not stated): TOPMed below 0.00001; gnomAD 0.00001; gnomAD exomes 0.00003; ExAC 0.00006.
gnomAD v4.1: 22 of 1,582,392 alleles (0.0014%); highest among the groups gnomAD compares: South Asian, 0.0092%; no homozygotes.

Submissions (2):

GeneDx
Classification: Uncertain significance. Last evaluated: 2022-06-10. Review status: criteria provided, single submitter. Criteria: GeneDx Variant Classification Process June 2021. Collection method: clinical testing. Allele origin: germline. Affected: yes.
Comment: Not observed at significant frequency in large population cohorts (gnomAD); In silico analysis supports that this missense variant does not alter protein structure/function; Has not been previously published as pathogenic or benign to our knowledge

CeGaT Center for Human Genetics Tuebingen
Classification: Uncertain significance. Last evaluated: 2017-04-01. Review status: criteria provided, single submitter. Criteria: CeGaT Center For Human Genetics Tuebingen Variant Classification Criteria Version 2. Collection method: clinical testing. Allele origin: germline. Affected: yes. Observed: 1 variant allele.

NM_003560.4(PLA2G6):c.2416C>T (p.Pro806Ser)

Gene: PLA2G6 (phospholipase A2 group VI; minus strand). Cytogenetic location: 22q13.1.
Variant type: single nucleotide variant.
Coding change: c.2416C>T on transcript NM_003560.4 (MANE Select); coding-DNA position 2416, C replaced by T.
Protein change: p.Pro806Ser; replaces proline 806 with serine.
Molecular consequence: missense variant.
Genome position (GRCh38, 1-based): chr22:38,112,166, G>A on the plus strand (C>T on the coding strand, the complement: PLA2G6 is on the minus strand). VCF-style: chr22-38112166-G-A. GRCh37 (hg19) VCF-style: chr22-38508173-G-A.
Other names: c.2254C>T, p.Pro752Ser (NM_001004426.3, NM_001199562.3, NM_001349865.2 and 1 more transcripts); c.2416C>T, p.Pro806Ser (NM_001349864.2); c.1882C>T, p.Pro628Ser (NM_001349867.2); c.1738C>T, p.Pro580Ser (NM_001349868.2); c.1720C>T, p.Pro574Ser (NM_001349869.2); short protein forms P574S, P628S, P752S, P806S, P580S.
Identifiers: ClinVar variation 809364 (VCV000809364.43), dbSNP rs745664459, ClinGen allele CA10230516.